The following is an entry in ClinVar:

ClinVar aggregate classification (germline): Uncertain significance (1 of 4 stars; one submission).

Allele frequency attached by ClinVar (database versions not stated): gnomAD exomes 0.00001.
gnomAD v4.1: 6 of 1,614,258 alleles (0.00037%); highest among the groups gnomAD compares: Non-Finnish European, 0.00051%; no homozygotes.

Submission:

Mayo Clinic Laboratories, Mayo Clinic
Classification: Uncertain significance. Last evaluated: 2022-04-19. Review status: criteria provided, single submitter. Criteria: ACMG Guidelines, 2015. Collection method: clinical testing. Allele origin: germline. Observed: 1 variant allele.
Comment: PM2

NM_001371623.1(TCOF1):c.3437G>A (p.Ser1146Asn)

Gene: TCOF1 (treacle ribosome biogenesis factor 1; plus strand). Cytogenetic location: 5q32.
Variant type: single nucleotide variant.
Coding change: c.3437G>A on transcript NM_001371623.1 (MANE Select); coding-DNA position 3437, G replaced by A.
Protein change: p.Ser1146Asn; replaces serine 1146 with asparagine.
Molecular consequence: missense variant.
Genome position (GRCh38, 1-based): chr5:150,392,096, G>A. VCF-style: chr5-150392096-G-A. GRCh37 (hg19) VCF-style: chr5-149771659-G-A.
Other names: p.Ser1146Asn; c.3206G>A, p.Ser1069Asn (NM_000356.4, NM_001135245.2); c.3437G>A, p.Ser1146Asn (NM_001135243.2); c.3323G>A, p.Ser1108Asn (NM_001135244.2, NM_001195141.2); short protein forms S1069N, S1108N, S1146N.
Identifiers: ClinVar variation 2682909 (VCV002682909.1), dbSNP rs1767559014, ClinGen allele CA361737223.